The following is an entry in ClinVar:

ClinVar aggregate classification (germline): Uncertain significance. Review status: criteria provided, multiple submitters, no conflicts (2 of 4 stars). 2 submissions from 2 submitters: Uncertain significance (2). Last evaluated 2021-11-24.

Conditions:
Charcot-Marie-Tooth disease dominant intermediate F. Identifiers: Orphanet 352670, MedGen C4749463, MONDO:0014074, OMIM 615185.
Inborn genetic diseases. Identifiers: MedGen C0950123, MeSH D030342.

Submissions (2):

Ambry Genetics
Classification: Uncertain significance for Inborn genetic diseases. Last evaluated: 2021-11-24. Review status: criteria provided, single submitter. Criteria: Ambry Variant Classification Scheme 2023. Collection method: clinical testing. Allele origin: germline.
Comment: The p.F151V variant (also known as c.451T>G), located in coding exon 6 of the GNB4 gene, results from a T to G substitution at nucleotide position 451. The phenylalanine at codon 151 is replaced by valine, an amino acid with highly similar properties. This amino acid position is conserved. In addition, this alteration is predicted to be deleterious by in silico analysis. Since supporting evidence is limited at this time, the clinical significance of this alteration remains unclear.

Center for Human Genetics and Genomic Medicine, Uniklinik Rwth Aachen
Classification: Uncertain significance for Charcot-Marie-Tooth disease dominant intermediate F. Last evaluated: 2021-10-04. Review status: criteria provided, single submitter. Criteria: ACMG Guidelines, 2015. Collection method: clinical testing. Allele origin: germline. Affected: yes.
Comment: The variant has neither been reported in controls nor in patients; bioinformatic prediction tools indicate a possible pathogenicity. We regard it as a "variant of unknown clinical significance".

NM_021629.4(GNB4):c.451T>G (p.Phe151Val)

Gene: GNB4 (G protein subunit beta 4; minus strand). Cytogenetic location: 3q26.33.
Variant type: single nucleotide variant.
Coding change: c.451T>G on transcript NM_021629.4 (MANE Select); coding-DNA position 451, T replaced by G.
Protein change: p.Phe151Val; replaces phenylalanine 151 with valine.
Molecular consequence: missense variant.
Genome position (GRCh38, 1-based): chr3:179,413,761, A>C on the plus strand (T>G on the coding strand, the complement: GNB4 is on the minus strand). VCF-style: chr3-179413761-A-C. GRCh37 (hg19) VCF-style: chr3-179131549-A-C.
Other names: short protein forms F151V.
Identifiers: ClinVar variation 1299242 (VCV001299242.5), dbSNP rs2108589504, ClinGen allele CA355469806.
Genomic context (GRCh38, chr3:179,413,761, plus strand): 5'-TGGAATAAACTTACCAAGTTGTATCTCCTGAACTTGTAACAATTTGGCTGTCATCTAAAA[A>C]ACGACAGCAGGACAAGTACCCTACAGCATAAAGAGTAGCAAATTTTAGGTTATCACTGAT-3'
Protein context (NP_067642.1, residues 141-161): GHTGYLSCCR[Phe151Val]LDDSQIVTSS